The following is an entry in ClinVar:

NM_001110556.2(FLNA):c.651C>T (p.Asp217=)

Gene: FLNA (filamin A; minus strand). Cytogenetic location: Xq28.
Variant type: single nucleotide variant.
Coding change: c.651C>T on transcript NM_001110556.2 (MANE Select); coding-DNA position 651, C replaced by T.
Protein change: p.Asp217=; no amino-acid change (aspartic acid 217 retained).
Molecular consequence: synonymous variant.
Genome position (GRCh38, 1-based): chrX:154,367,710, G>A on the plus strand (C>T on the coding strand, the complement: FLNA is on the minus strand). VCF-style: chrX-154367710-G-A. GRCh37 (hg19) VCF-style: chrX-153596078-G-A.
Other names: p.Asp217=; c.651C>T, p.Asp217= (NM_001456.4).
Identifiers: ClinVar variation 287592 (VCV000287592.83), dbSNP rs34644500, ClinGen allele CA10561382.

ClinVar aggregate classification (germline): Benign/Likely benign. Review status: criteria provided, multiple submitters, no conflicts (2 of 4 stars). 8 submissions from 8 submitters: Benign (1); Likely benign (7). Last evaluated 2026-01-28.

Conditions:
Melnick-Needles syndrome (MNS). Also called: Melnick-Needles Syndrome (FLNA-MNS); MELNICK-NEEDLES OSTEODYSPLASTY; OSTEODYSPLASTY OF MELNICK AND NEEDLES. Identifiers: Orphanet 2484, MedGen C0025237, MONDO:0010650, OMIM 309350.
Heterotopia, periventricular, X-linked dominant (PVNH1). Also called: X-linked periventricular heterotopia; PERIVENTRICULAR NODULAR HETEROTOPIA 4; HETEROTOPIA, PERIVENTRICULAR, 1; PERIVENTRICULAR NODULAR HETEROTOPIA 1. Identifiers: Orphanet 2149, Orphanet 82004, MedGen C1848213, MONDO:0010233, OMIM 300049.
Frontometaphyseal dysplasia (FMD1). Identifiers: Orphanet 1826, MedGen C0265293, MONDO:0015942.
Oto-palato-digital syndrome, type II (OPD2). Also called: Otopalatodigital Syndrome Type 2 (FLNA-OPD2); FACIOPALATOOSSEOUS SYNDROME; Otopalatodigital Syndrome, Type II; OPD II SYNDROME. Identifiers: Orphanet 669, Orphanet 90652, MedGen C1844696, MONDO:0010571, OMIM 304120.
Familial thoracic aortic aneurysm and aortic dissection (TAAD). Also called: Thoracic aortic aneurysms and dissections. Identifiers: Orphanet 91387, MedGen C4707243, MONDO:0019625.

Allele frequency attached by ClinVar (database versions not stated): 1000 Genomes Project 0.00053; gnomAD 0.00062 and 0.00067; TOPMed 0.00071; ESP Exome Variant Server 0.00125; gnomAD exomes 0.00012 and 0.00022; ExAC 0.00026; 1000 Genomes Project 30x 0.00042.
gnomAD v4.1: 241 of 1,209,449 alleles (0.02%); highest among the groups gnomAD compares: African/African-American, 0.25%; 2 homozygotes.

Submissions (8):

Labcorp Genetics (formerly Invitae), Labcorp
Classification: Benign for Oto-palato-digital syndrome, type II; Heterotopia, periventricular, X-linked dominant; Frontometaphyseal dysplasia; Melnick-Needles syndrome. Last evaluated: 2026-01-28. Review status: criteria provided, single submitter. Criteria: Invitae Variant Classification Sherloc (09022015). Collection method: clinical testing. Allele origin: germline.

CeGaT Center for Human Genetics Tuebingen
Classification: Likely benign. Last evaluated: 2025-11-01. Review status: criteria provided, single submitter. Criteria: CeGaT Center For Human Genetics Tuebingen Variant Classification Criteria Version 2. Collection method: clinical testing. Allele origin: germline. Affected: yes. Observed: 3 variant alleles.
Comment: FLNA: BP4, BP7, BS2

Mayo Clinic Laboratories, Mayo Clinic
Classification: Likely benign. Last evaluated: 2025-03-24. Review status: criteria provided, single submitter. Criteria: ACMG Guidelines, 2015. Collection method: clinical testing. Allele origin: germline. Observed: 1 variant allele.
Comment: BS2, BP4, BP7

Blueprint Genetics
Classification: Likely benign. Last evaluated: 2024-10-24. Review status: criteria provided, single submitter. Criteria: ACMG Guidelines, 2015. Collection method: clinical testing. Allele origin: germline.

GeneDx
Classification: Likely benign. Last evaluated: 2020-11-06. Review status: criteria provided, single submitter. Criteria: GeneDx Variant Classification Process June 2021. Collection method: clinical testing. Allele origin: germline. Affected: yes.

Eurofins Ntd Llc (ga)
Classification: Likely benign. Last evaluated: 2016-05-13. Review status: criteria provided, single submitter. Criteria: EGL Classification Definitions 2015. Collection method: clinical testing. Allele origin: germline. Observed: 1 variant allele, 1 homozygote.

Ambry Genetics
Classification: Likely benign for Familial thoracic aortic aneurysm and aortic dissection. Last evaluated: 2016-02-17. Review status: criteria provided, single submitter. Criteria: Ambry Variant Classification Scheme 2023. Collection method: clinical testing. Allele origin: germline.

Breakthrough Genomics
Classification: Likely benign. Review status: criteria provided, single submitter. Criteria: ACMG Guidelines, 2015. Collection method: not provided. Allele origin: germline. Inheritance: X-linked inheritance. Affected: yes.